The following is an entry in ClinVar:

NM_052947.4(ALPK2):c.2606C>G (p.Ser869Cys)

Gene: ALPK2 (alpha kinase 2; minus strand). Cytogenetic location: 18q21.31.
Variant type: single nucleotide variant.
Coding change: c.2606C>G on transcript NM_052947.4 (MANE Select); coding-DNA position 2606, C replaced by G.
Protein change: p.Ser869Cys; replaces serine 869 with cysteine.
Molecular consequence: missense variant.
Genome position (GRCh38, 1-based): chr18:58,537,581, G>C on the plus strand (C>G on the coding strand, the complement: ALPK2 is on the minus strand). VCF-style: chr18-58537581-G-C. GRCh37 (hg19) VCF-style: chr18-56204813-G-C.
Other names: short protein forms S869C.
Identifiers: ClinVar variation 3228635 (VCV003228635.1), dbSNP rs2518877456, ClinGen allele CA402570168.

ClinVar aggregate classification (germline): Uncertain significance (1 of 4 stars; one submission).

Submission:

Ambry Genetics
Classification: Uncertain significance. Last evaluated: 2024-01-08. Review status: criteria provided, single submitter. Criteria: Ambry Variant Classification Scheme 2023. Collection method: clinical testing. Allele origin: germline.
Comment: The p.S869C variant (also known as c.2606C>G), located in coding exon 4 of the ALPK2 gene, results from a C to G substitution at nucleotide position 2606. The serine at codon 869 is replaced by cysteine, an amino acid with dissimilar properties. This amino acid position is conserved. In addition, this alteration is predicted to be tolerated by in silico analysis. Since supporting evidence is limited at this time, the clinical significance of this alteration remains unclear.